The following is an entry in ClinVar:

ClinVar aggregate classification (germline): Likely pathogenic (1 of 4 stars; one submission).

Conditions:
Dilated cardiomyopathy 1G (CMD1G). Identifiers: Orphanet 154, MedGen C1858763, MONDO:0011400, OMIM 604145.
Autosomal recessive limb-girdle muscular dystrophy type 2J (LGMDR10). Also called: Limb-girdle muscular dystrophy, type 2J; MUSCULAR DYSTROPHY, LIMB-GIRDLE, AUTOSOMAL RECESSIVE 10. Identifiers: Orphanet 140922, MedGen C1837342, MONDO:0012127, OMIM 608807.

Submission:

Labcorp Genetics (formerly Invitae), Labcorp
Classification: Likely pathogenic for Dilated cardiomyopathy 1G; Autosomal recessive limb-girdle muscular dystrophy type 2J. Last evaluated: 2024-09-06. Review status: criteria provided, single submitter. Criteria: Invitae Variant Classification Sherloc (09022015). Collection method: clinical testing. Allele origin: germline.
Comment: This sequence change creates a premature translational stop signal (p.Tyr33845Leufs*17) in the TTN gene. While this is not anticipated to result in nonsense mediated decay, it is expected to create a truncated TTN protein. This variant is not present in population databases (gnomAD no frequency). This variant has not been reported in the literature in individuals affected with TTN-related conditions. This variant is located in the M band of TTN (PMID: 25589632). Truncating variants in this region have been previously reported in individuals affected with autosomal recessive myopathy and muscular dystrophy (PMID: 18948003, 23975875, 24395473). Truncating variants in this region have also been identified in individuals affected with autosomal dominant dilated cardiomyopathy and/or cardio-related conditions (PMID: 27869827, 32964742, internal data). In summary, the currently available evidence indicates that the variant is pathogenic, but additional data are needed to prove that conclusively. Therefore, this variant has been classified as Likely Pathogenic.

Literature cited by the submitters: PubMed 25589632; PubMed 18948003; PubMed 23975875; PubMed 24395473; PubMed 27869827; PubMed 32964742.

NM_001267550.2(TTN):c.101533_101534insTG (p.Tyr33845fs)

Genes: TTN (titin; minus strand), TTN-AS1 (TTN antisense RNA 1; plus strand). Cytogenetic location: 2q31.2.
Variant type: Insertion.
Coding change: c.101533_101534insTG on transcript NM_001267550.2 (MANE Select); coding-DNA positions 101533 to 101534, TG inserted.
Protein change: p.Tyr33845fs; shifts the reading frame from tyrosine 33845.
Molecular consequence: frameshift variant.
Genome position: GRCh38 VCF-style: chr2-178535081-T-TCA. GRCh37 (hg19) VCF-style: chr2-179399808-T-TCA.
Other names: c.96610_96611insTG, p.Tyr32204fs (NM_001256850.1); c.74338_74339insTG, p.Tyr24780fs (NM_003319.4); c.93829_93830insTG, p.Tyr31277fs (NM_133378.4); c.74713_74714insTG, p.Tyr24905fs (NM_133432.3); c.74914_74915insTG, p.Tyr24972fs (NM_133437.4); short protein forms Y24780fs, Y24905fs, Y24972fs, Y31277fs, Y32204fs, Y33845fs.
Identifiers: ClinVar variation 3758046 (VCV003758046.2).